The following is an entry in ClinVar:

NM_014244.5(ADAMTS2):c.117_118insTGGGGGCAGCTGGA (p.Ala40fs)

Gene: ADAMTS2 (ADAM metallopeptidase with thrombospondin type 1 motif 2; minus strand). Cytogenetic location: 5q35.3.
Variant type: Insertion.
Coding change: c.117_118insTGGGGGCAGCTGGA on transcript NM_014244.5 (MANE Select); coding-DNA positions 117 to 118, TGGGGGCAGCTGGA inserted.
Protein change: p.Ala40fs; shifts the reading frame from alanine 40.
Molecular consequence: frameshift variant.
Genome position: GRCh38 VCF-style: chr5-179345211-C-CTCCAGCTGCCCCCA. GRCh37 (hg19) VCF-style: chr5-178772212-C-CTCCAGCTGCCCCCA.
Other names: c.117_118insTGGGGGCAGCTGGA, p.Ala40fs (NM_021599.4); short protein forms A40fs.
Identifiers: ClinVar variation 5011123 (VCV005011123.1).
Genomic context (GRCh38, chr5:179,345,211, plus strand): 5'-GGCGGGGGTCCCGGGGAGTAGGGGCCGGGCCGCACCTACCTGGGGGGTCGGCGGCGGCGG[C>CTCCAGCTGCCCCCA]GAGCCTGGCGTTCGCGGGCGGCGGCGGCGGCGGCAGGAGCGGCGGCGGCAGCAGCAGCAG-3'

ClinVar aggregate classification (germline): Pathogenic (1 of 4 stars; one submission).

Conditions:
Ehlers-Danlos syndrome, dermatosparaxis type. Also called: EDS VIIC; Dermatosparaxis; Ehlers-Danlos syndrome, type VII, autosomal recessive. Identifiers: Orphanet 1901, MedGen C2700425, MONDO:0009161, OMIM 225410.

Submission:

Myriad Genetics, Inc.
Classification: Pathogenic for Ehlers-Danlos syndrome, dermatosparaxis type. Last evaluated: 2024-05-14. Review status: criteria provided, single submitter. Criteria: Myriad Autosomal Dominant, Autosomal Recessive and X-Linked Classification Criteria (2023). Collection method: clinical testing. Allele origin: unknown.
Comment: NM_014244.4(ADAMTS2):c.117_118ins14(A40Wfs*130) is expected to be pathogenic in the context of Ehlers-Danlos syndrome, ADAMTS2-related. This variant is predicted to lead to an abnormal or absent protein product due to the creation of a premature termination codon in ADAMTS2, a gene where loss-of-function variants are known to be pathogenic. Please note: this variant was assessed in the context of healthy population screening.